The following is an entry in ClinVar:

ClinVar aggregate classification (germline): Conflicting classifications of pathogenicity. Review status: criteria provided, conflicting classifications (1 of 4 stars). 3 submissions from 3 submitters: Uncertain significance (1); Likely benign (1). 1 of the submissions does not count toward it. Last evaluated 2026-01-20.

Conditions:
Autosomal recessive distal renal tubular acidosis. Identifiers: Orphanet 402041, MedGen C1864498, MONDO:0018440.
ATP6V0A4-related disorder. Also called: ATP6V0A4-related condition.

Allele frequency attached by ClinVar (database versions not stated): 1000 Genomes Project 30x 0.00016; gnomAD 0.00053 and 0.00056; ExAC 0.00054; ESP Exome Variant Server 0.00054; gnomAD exomes 0.00054; TOPMed 0.00056.
gnomAD v4.1: 1,212 of 1,611,802 alleles (0.075%); highest among the groups gnomAD compares: Non-Finnish European, 0.093%; 1 homozygote.

Submissions (3):

Labcorp Genetics (formerly Invitae), Labcorp
Classification: Likely benign. Last evaluated: 2026-01-20. Review status: criteria provided, single submitter. Criteria: Invitae Variant Classification Sherloc (09022015). Collection method: clinical testing. Allele origin: germline.

Illumina Laboratory Services, Illumina
Classification: Uncertain significance for Renal tubular acidosis, distal, 3, with or without sensorineural hearing loss. Last evaluated: 2018-01-13. Review status: criteria provided, single submitter. Criteria: ICSL Variant Classification Criteria 13 December 2019. Collection method: clinical testing. Allele origin: germline.

PreventionGenetics, part of Exact Sciences
Classification: Likely benign for ATP6V0A4-related condition. Last evaluated: 2021-10-19. Review status: no assertion criteria provided. Collection method: clinical testing. Allele origin: germline. Not counted in ClinVar's aggregate classification.
Comment: This variant is classified as likely benign based on ACMG/AMP sequence variant interpretation guidelines (Richards et al. 2015 PMID: 25741868, with internal and published modifications).

NM_020632.3(ATP6V0A4):c.2140-9G>A

Gene: ATP6V0A4 (ATPase H+ transporting V0 subunit a4; minus strand). Cytogenetic location: 7q34.
Variant type: single nucleotide variant.
Coding change: c.2140-9G>A on transcript NM_020632.3 (MANE Select); 9 bases into the intron before coding-DNA position 2140, G replaced by A.
Molecular consequence: intron variant.
Genome position (GRCh38, 1-based): chr7:138,715,890, C>T on the plus strand (G>A on the coding strand, the complement: ATP6V0A4 is on the minus strand). VCF-style: chr7-138715890-C-T. GRCh37 (hg19) VCF-style: chr7-138400635-C-T.
Other names: c.2140-9G>A (NM_130840.3, NM_130841.3).
Identifiers: ClinVar variation 359009 (VCV000359009.11), dbSNP rs201174170, ClinGen allele CA4504510.